The following is an entry in ClinVar:

ClinVar aggregate classification (germline): Uncertain significance (1 of 4 stars; one submission).

Allele frequency attached by ClinVar (database versions not stated): gnomAD exomes below 0.00001.
gnomAD v4.1: 1 of 1,533,444 alleles (0.000065%); highest among the groups gnomAD compares: Non-Finnish European, 0.000087%; no homozygotes.

Submission:

GeneDx
Classification: Uncertain significance. Last evaluated: 2022-05-12. Review status: criteria provided, single submitter. Criteria: GeneDx Variant Classification Process June 2021. Collection method: clinical testing. Allele origin: germline. Affected: yes.
Comment: Not observed at significant frequency in large population cohorts (gnomAD); In silico analysis supports a deleterious effect on splicing; Has not been previously published as pathogenic or benign to our knowledge

NM_017780.4(CHD7):c.7608+6T>C

Gene: CHD7 (chromodomain helicase DNA binding protein 7; plus strand). Cytogenetic location: 8q12.2.
Variant type: single nucleotide variant.
Coding change: c.7608+6T>C on transcript NM_017780.4 (MANE Select); 6 bases into the intron after coding-DNA position 7608, T replaced by C.
Molecular consequence: intron variant.
Genome position (GRCh38, 1-based): chr8:60,856,894, T>C. VCF-style: chr8-60856894-T-C. GRCh37 (hg19) VCF-style: chr8-61769453-T-C.
Other names: c.1717-5335T>C (NM_001316690.1).
Identifiers: ClinVar variation 1723676 (VCV001723676.2), dbSNP rs2488079246, ClinGen allele CA2580078888.